The following is an entry in ClinVar:

ClinVar aggregate classification (germline): Uncertain significance (1 of 4 stars; one submission).

Allele frequency attached by ClinVar (database versions not stated): gnomAD exomes 0.00001; ExAC 0.00002; TOPMed 0.00003; gnomAD 0.00004; 1000 Genomes Project 0.00020; 1000 Genomes Project 30x 0.00031.

Submission:

Labcorp Genetics (formerly Invitae), Labcorp
Classification: Uncertain significance. Last evaluated: 2024-03-16. Review status: criteria provided, single submitter. Criteria: Invitae Variant Classification Sherloc (09022015). Collection method: clinical testing. Allele origin: germline.
Comment: This sequence change replaces isoleucine, which is neutral and non-polar, with valine, which is neutral and non-polar, at codon 167 of the KLHL9 protein (p.Ile167Val). This variant is present in population databases (rs561118394, gnomAD 0.003%). This variant has not been reported in the literature in individuals affected with KLHL9-related conditions. ClinVar contains an entry for this variant (Variation ID: 2169977). Advanced modeling of protein sequence and biophysical properties (such as structural, functional, and spatial information, amino acid conservation, physicochemical variation, residue mobility, and thermodynamic stability) performed at Invitae indicates that this missense variant is not expected to disrupt KLHL9 protein function with a negative predictive value of 80%. In summary, the available evidence is currently insufficient to determine the role of this variant in disease. Therefore, it has been classified as a Variant of Uncertain Significance.

NM_018847.4(KLHL9):c.499A>G (p.Ile167Val)

Gene: KLHL9 (kelch like family member 9; minus strand). Cytogenetic location: 9p21.3.
Variant type: single nucleotide variant.
Coding change: c.499A>G on transcript NM_018847.4 (MANE Select); coding-DNA position 499, A replaced by G.
Protein change: p.Ile167Val; replaces isoleucine 167 with valine.
Molecular consequence: missense variant.
Genome position (GRCh38, 1-based): chr9:21,334,361, T>C on the plus strand (A>G on the coding strand, the complement: KLHL9 is on the minus strand). VCF-style: chr9-21334361-T-C. GRCh37 (hg19) VCF-style: chr9-21334360-T-C.
Other names: short protein forms I167V.
Identifiers: ClinVar variation 2169977 (VCV002169977.4), dbSNP rs561118394, ClinGen allele CA5010651.